The following is an entry in ClinVar:

NM_003836.7(DLK1):c.262+119C>T

Gene: DLK1 (delta like non-canonical Notch ligand 1; plus strand). Cytogenetic location: 14q32.2.
Variant type: single nucleotide variant.
Coding change: c.262+119C>T on transcript NM_003836.7 (MANE Select); 119 bases into the intron after coding-DNA position 262, C replaced by T.
Molecular consequence: intron variant.
Genome position (GRCh38, 1-based): chr14:100,729,185, C>T. VCF-style: chr14-100729185-C-T. GRCh37 (hg19) VCF-style: chr14-101195522-C-T.
Other names: c.262+119C>T (NM_001317172.2).
Identifiers: ClinVar variation 2644535 (VCV002644535.24), dbSNP rs117667438, ClinGen allele CA7346549.

ClinVar aggregate classification (germline): Likely benign (1 of 4 stars; one submission).

Allele frequency attached by ClinVar (database versions not stated): 1000 Genomes Project 30x 0.00234; 1000 Genomes Project 0.00240; TOPMed 0.00515; gnomAD 0.00631; gnomAD exomes 0.00691; ExAC 0.01029.
gnomAD v4.1: 10,172 of 1,488,892 alleles (0.68%); highest among the groups gnomAD compares: Non-Finnish European, 0.76%; 65 homozygotes.

Submission:

CeGaT Center for Human Genetics Tuebingen
Classification: Likely benign. Last evaluated: 2026-08-01. Review status: criteria provided, single submitter. Criteria: CeGaT Center For Human Genetics Tuebingen Variant Classification Criteria Version 2. Collection method: clinical testing. Allele origin: germline. Affected: yes. Observed: 19 variant alleles.
Comment: DLK1: BS2